The following is an entry in ClinVar:

ClinVar aggregate classification (germline): Likely pathogenic (1 of 4 stars; one submission).

Conditions:
Glycogen storage disease IXb (GSD9B). Also called: GLYCOGENOSIS OF LIVER AND MUSCLE, AUTOSOMAL RECESSIVE; GSD IXb; PHOSPHORYLASE KINASE DEFICIENCY OF LIVER AND MUSCLE, AUTOSOMAL RECESSIVE. Identifiers: Orphanet 79240, MedGen C0543514, MONDO:0009868, OMIM 261750.

gnomAD v4.1: 3 of 1,612,834 alleles (0.00019%); highest among the groups gnomAD compares: Non-Finnish European, 0.00025%; no homozygotes.

Submission:

Labcorp Genetics (formerly Invitae), Labcorp
Classification: Likely pathogenic for Glycogen storage disease IXb. Last evaluated: 2025-04-23. Review status: criteria provided, single submitter. Criteria: Invitae Variant Classification Sherloc (09022015). Collection method: clinical testing. Allele origin: germline.
Comment: This sequence change affects a donor splice site in intron 15 of the PHKB gene. It is expected to disrupt RNA splicing. Variants that disrupt the donor or acceptor splice site typically lead to a loss of protein function (PMID: 16199547), and loss-of-function variants in PHKB are known to be pathogenic (PMID: 9215682, 9326319). This variant is not present in population databases (gnomAD no frequency). This variant has not been reported in the literature in individuals affected with PHKB-related conditions. Algorithms developed to predict the effect of sequence changes on RNA splicing suggest that this variant may disrupt the consensus splice site. In summary, the currently available evidence indicates that the variant is pathogenic, but additional data are needed to prove that conclusively. Therefore, this variant has been classified as Likely Pathogenic.

Literature cited by the submitters: PubMed 16199547; PubMed 9215682; PubMed 9326319.

NM_000293.3(PHKB):c.1514+1G>T

Gene: PHKB (phosphorylase kinase regulatory subunit beta; plus strand). Cytogenetic location: 16q12.1.
Variant type: single nucleotide variant.
Coding change: c.1514+1G>T on transcript NM_000293.3 (MANE Select); the canonical splice donor site of the intron after coding-DNA position 1514, G replaced by T.
Molecular consequence: splice donor variant.
Genome position (GRCh38, 1-based): chr16:47,641,091, G>T. VCF-style: chr16-47641091-G-T. GRCh37 (hg19) VCF-style: chr16-47675002-G-T.
Other names: c.1514+1G>T (NM_001363837.1); c.1493+1G>T (NM_001031835.3).
Identifiers: ClinVar variation 4718236 (VCV004718236.1).
Genomic context (GRCh38, chr16:47,641,091, plus strand): 5'-ACAGGGCCCACTGGAAAATGACTTGGTAGTTCATGTGGCACTTATAGCAGAAAGCCAAAG[G>T]TATGAAATCCAAGTGGGTGGTGTGTTTTTTTGTGGGGAGGGGAGGGGAGGGGAAATGATT-3'